The following is an entry in ClinVar:

NM_000057.4(BLM):c.2512C>A (p.Gln838Lys)

Gene: BLM (BLM RecQ like helicase; plus strand). Cytogenetic location: 15q26.1.
Variant type: single nucleotide variant.
Coding change: c.2512C>A on transcript NM_000057.4 (MANE Select); coding-DNA position 2512, C replaced by A.
Protein change: p.Gln838Lys; replaces glutamine 838 with lysine.
Molecular consequence: missense variant.
Genome position (GRCh38, 1-based): chr15:90,769,543, C>A. VCF-style: chr15-90769543-C-A. GRCh37 (hg19) VCF-style: chr15-91312773-C-A.
Other names: c.2512C>A, p.Gln838Lys (NM_001287246.2, NM_001287247.2); c.1387C>A, p.Gln463Lys (NM_001287248.2); short protein forms Q463K, Q838K.
Identifiers: ClinVar variation 1367029 (VCV001367029.7), dbSNP rs2151166312, ClinGen allele CA393845476.

ClinVar aggregate classification (germline): Uncertain significance (1 of 4 stars; one submission).

Conditions:
Bloom syndrome (BLM). Also called: Bloom-Torre-Machacek syndrome. Identifiers: Orphanet 125, MedGen C0005859, MONDO:0008876, OMIM 210900.

gnomAD v4.1: 2 of 1,614,030 alleles (0.00012%); highest among the groups gnomAD compares: Non-Finnish European, 0.00017%; no homozygotes.

Submission:

Labcorp Genetics (formerly Invitae), Labcorp
Classification: Uncertain significance for Bloom syndrome. Last evaluated: 2023-03-07. Review status: criteria provided, single submitter. Criteria: Invitae Variant Classification Sherloc (09022015). Collection method: clinical testing. Allele origin: germline.
Comment: In summary, the available evidence is currently insufficient to determine the role of this variant in disease. Therefore, it has been classified as a Variant of Uncertain Significance. Advanced modeling of protein sequence and biophysical properties (such as structural, functional, and spatial information, amino acid conservation, physicochemical variation, residue mobility, and thermodynamic stability) performed at Invitae indicates that this missense variant is not expected to disrupt BLM protein function. ClinVar contains an entry for this variant (Variation ID: 1367029). This variant has not been reported in the literature in individuals affected with BLM-related conditions. This variant is not present in population databases (gnomAD no frequency). This sequence change replaces glutamine, which is neutral and polar, with lysine, which is basic and polar, at codon 838 of the BLM protein (p.Gln838Lys).